The following is an entry in ClinVar:

NM_024675.4(PALB2):c.2875G>T (p.Val959Leu)

Gene: PALB2 (partner and localizer of BRCA2; minus strand). Cytogenetic location: 16p12.2.
Variant type: single nucleotide variant.
Coding change: c.2875G>T on transcript NM_024675.4 (MANE Select); coding-DNA position 2875, G replaced by T.
Protein change: p.Val959Leu; replaces valine 959 with leucine.
Molecular consequence: missense variant.
Genome position (GRCh38, 1-based): chr16:23,623,090, C>A on the plus strand (G>T on the coding strand, the complement: PALB2 is on the minus strand). VCF-style: chr16-23623090-C-A. GRCh37 (hg19) VCF-style: chr16-23634411-C-A.
Other names: short protein forms V959L.
Identifiers: ClinVar variation 419120 (VCV000419120.17), dbSNP rs1064793658, ClinGen allele CA16620123.

ClinVar aggregate classification (germline): Conflicting classifications of pathogenicity. Review status: criteria provided, conflicting classifications (1 of 4 stars). 4 submissions from 4 submitters: Uncertain significance (3); Likely benign (1). Last evaluated 2024-11-24.

Conditions:
Familial cancer of breast. Also called: Hereditary breast cancer; BREAST CANCER, FAMILIAL; hereditary breast carcinoma. Identifiers: Orphanet 227535, MedGen C0346153, MONDO:0016419, OMIM 114480. Disease mechanism: loss of function.
Hereditary cancer-predisposing syndrome. Also called: Hereditary neoplastic syndrome; Tumor predisposition; Neoplastic Syndromes, Hereditary; Hereditary Cancer Syndrome. Identifiers: Orphanet 140162, MedGen C0027672, MeSH D009386, MONDO:0015356.

Submissions (4):

Labcorp Genetics (formerly Invitae), Labcorp
Classification: Uncertain significance for Familial cancer of breast. Last evaluated: 2024-11-24. Review status: criteria provided, single submitter. Criteria: Invitae Variant Classification Sherloc (09022015). Collection method: clinical testing. Allele origin: germline.
Comment: This sequence change replaces valine, which is neutral and non-polar, with leucine, which is neutral and non-polar, at codon 959 of the PALB2 protein (p.Val959Leu). This variant is not present in population databases (gnomAD no frequency). This missense change has been observed in individual(s) with breast and/or ovarian cancer (PMID: 35610400). ClinVar contains an entry for this variant (Variation ID: 419120). Invitae Evidence Modeling of protein sequence and biophysical properties (such as structural, functional, and spatial information, amino acid conservation, physicochemical variation, residue mobility, and thermodynamic stability) indicates that this missense variant is not expected to disrupt PALB2 protein function with a negative predictive value of 80%. In summary, the available evidence is currently insufficient to determine the role of this variant in disease. Therefore, it has been classified as a Variant of Uncertain Significance.

Ambry Genetics
Classification: Likely benign for Hereditary cancer-predisposing syndrome. Last evaluated: 2024-03-04. Review status: criteria provided, single submitter. Criteria: Ambry Variant Classification Scheme 2023. Collection method: clinical testing. Allele origin: germline.

Color Diagnostics, LLC DBA Color Health
Classification: Uncertain significance for Hereditary cancer-predisposing syndrome. Last evaluated: 2020-07-13. Review status: criteria provided, single submitter. Criteria: ACMG Guidelines, 2015. Collection method: clinical testing. Allele origin: germline.
Comment: This missense variant replaces valine with leucine at codon 959 of the PALB2 protein. Computational prediction suggests that this variant may not impact protein structure and function (internally defined REVEL score threshold <= 0.5, PMID: 27666373). To our knowledge, functional studies have not been reported for this variant. This variant has not been reported in individuals affected with hereditary cancer in the literature. This variant has not been identified in the general population by the Genome Aggregation Database (gnomAD). The available evidence is insufficient to determine the role of this variant in disease conclusively. Therefore, this variant is classified as a Variant of Uncertain Significance.

GeneDx
Classification: Uncertain significance. Last evaluated: 2015-05-26. Review status: criteria provided, single submitter. Criteria: GeneDx Variant Classification (06012015). Collection method: clinical testing. Allele origin: germline. Affected: yes.
Comment: This variant is denoted PALB2 c.2875G>T at the cDNA level, p.Val959Leu (V959L) at the protein level, and results in the change of a Valine to a Leucine (GTA>TTA). This variant has not, to our knowledge, been published in the literature as pathogenic or benign. PALB2 Val959Leu was not observed in approximately 6,500 individuals of European and African American ancestry in the NHLBI Exome Sequencing Project, indicating it is not a common benign variant in these populations. Since Valine and Leucine share similar properties, this is considered a conservative amino acid substitution. PALB2 Val959Leu occurs at a position that is not conserved and is located in the WD2 domain and RAD51 binding site that is required for interaction with POLF and POLH DNA synthesis stimulation (Teo 2013, UniProt). In silico analyses predict that this variant is unlikely to alter protein structure or function. Based on currently available information, it is unclear whether PALB2 Val959Leu is pathogenic or benign. We consider it to be a variant of uncertain significance.

Literature cited by the submitters: PubMed 35610400 (cited by Labcorp Genetics (formerly Invitae), Labcorp and Ambry Genetics).